The following is an entry in ClinVar:

ClinVar aggregate classification (germline): Pathogenic/Likely pathogenic. Review status: criteria provided, multiple submitters, no conflicts (2 of 4 stars). 2 submissions from 2 submitters: Pathogenic (1); Likely pathogenic (1). Last evaluated 2026-07-01.

Conditions:
Neurofibromatosis, type 2 (SWNV). Also called: BILATERAL ACOUSTIC NEUROFIBROMATOSIS; NF2-Related Schwannomatosis; SCHWANNOMATOSIS, VESTIBULAR. Identifiers: Orphanet 637, MedGen C0027832, MONDO:0007039, OMIM 101000. Disease mechanism: loss of function.
NF2-related disorder. Also called: NF2-related condition.

gnomAD v4.1: 2 of 1,613,904 alleles (0.00012%); no homozygotes.

Submissions (2):

MVZ Martinsried, Medicover Genetics
Classification: Likely pathogenic for Neurofibromatosis, type 2. Last evaluated: 2026-07-01. Review status: criteria provided, single submitter. Criteria: ClinGen Variant Curation SOP V3.2 + Classification Guidance July2025. Collection method: clinical testing. Allele origin: unknown. Observed: 1 heterozygote.
Comment: PS1_Moderate, PP4_Moderate, PS4_Supporting, PM2_Supporting, PP3

Blueprint Genetics
Classification: Pathogenic for NF2-related disorders. Last evaluated: 2023-09-08. Review status: criteria provided, single submitter. Criteria: ACMG Guidelines, 2015. Collection method: clinical testing. Allele origin: germline. Affected: yes. Observed: 5 variant alleles.

NM_000268.4(NF2):c.1737+3A>T

Gene: NF2 (NF2, moesin-ezrin-radixin like (MERLIN) tumor suppressor; plus strand). Cytogenetic location: 22q12.2.
Variant type: single nucleotide variant.
Coding change: c.1737+3A>T on transcript NM_000268.4 (MANE Select); 3 bases into the intron after coding-DNA position 1737, A replaced by T.
Molecular consequence: intron variant.
Genome position (GRCh38, 1-based): chr22:29,681,604, A>T. VCF-style: chr22-29681604-A-T. GRCh37 (hg19) VCF-style: chr22-30077593-A-T.
Other names: c.1737+3A>T (NM_016418.5, NM_181832.3, NM_001407066.1 and 1 more transcripts); c.1623+3A>T (NM_001407056.1, NM_001407053.1); c.1506+3A>T (NM_001407067.1); c.1203+3A>T (NM_001407065.1); c.1574+3281A>T (NM_001407060.1); c.1602+3A>T (NM_001407059.1, NM_001407057.1); c.448-13148A>T (NM_181833.3); c.1614+3A>T (NM_001407058.1, NM_181829.3, NM_001407054.1); and 4 more.
Identifiers: ClinVar variation 4947386 (VCV004947386.2).